The following is an entry in ClinVar:

NM_006940.6(SOX5):c.1093C>A (p.Leu365Ile)

Gene: SOX5 (SRY-box transcription factor 5; minus strand). Cytogenetic location: 12p12.1.
Variant type: single nucleotide variant.
Coding change: c.1093C>A on transcript NM_006940.6 (MANE Select); coding-DNA position 1093, C replaced by A.
Protein change: p.Leu365Ile; replaces leucine 365 with isoleucine.
Molecular consequence: missense variant.
Genome position (GRCh38, 1-based): chr12:23,604,458, G>T on the plus strand (C>A on the coding strand, the complement: SOX5 is on the minus strand). VCF-style: chr12-23604458-G-T. GRCh37 (hg19) VCF-style: chr12-23757392-G-T.
Other names: c.1054C>A, p.Leu352Ile (NM_001261414.3, NM_152989.5); c.1063C>A, p.Leu355Ile (NM_001261415.3); c.988C>A, p.Leu330Ile (NM_001330785.2); short protein forms L330I, L352I, L355I, L365I.
Identifiers: ClinVar variation 3800017 (VCV003800017.1).

ClinVar aggregate classification (germline): Uncertain significance (1 of 4 stars; one submission).

Conditions:
Inborn genetic diseases. Identifiers: MedGen C0950123, MeSH D030342.

Submission:

Ambry Genetics
Classification: Uncertain significance for Inborn genetic diseases. Last evaluated: 2025-01-23. Review status: criteria provided, single submitter. Criteria: Ambry Variant Classification Scheme 2023. Collection method: clinical testing. Allele origin: germline.
Comment: The c.1093C>A (p.L365I) alteration is located in exon 9 (coding exon 9) of the SOX5 gene. This alteration results from a C to A substitution at nucleotide position 1093, causing the leucine (L) at amino acid position 365 to be replaced by an isoleucine (I). This variant was not reported in population-based cohorts in the Genome Aggregation Database (gnomAD). This amino acid position is highly conserved in available vertebrate species. The in silico prediction for this alteration is inconclusive. Based on insufficient or conflicting evidence, the clinical significance of this alteration remains unclear.